The following is an entry in ClinVar:

NM_015443.4(KANSL1):c.172G>A (p.Asp58Asn)

Gene: KANSL1 (KAT8 regulatory NSL complex subunit 1). Cytogenetic location: 17q21.31.
Variant type: single nucleotide variant.
Coding change: c.172G>A on transcript NM_015443.4 (MANE Select); coding-DNA position 172, G replaced by A.
Protein change: p.Asp58Asn; replaces aspartic acid 58 with asparagine.
Molecular consequence: missense variant.
Genome position (GRCh38, 1-based): chr17:46,171,972, C>T on the plus strand (G>A on the coding strand, the complement: KANSL1 is on the minus strand). VCF-style: chr17-46171972-C-T. GRCh37 (hg19) VCF-style: chr17-44249338-C-T.
Other names: c.172G>A, p.Asp58Asn (NM_001193465.2, NM_001193466.2, NM_001379198.1); short protein forms D58N.
Identifiers: ClinVar variation 1412368 (VCV001412368.1), dbSNP rs1412208533, ClinGen allele CA399982807.
Genomic context (GRCh38, chr17:46,171,972, plus strand): 5'-GTGGTTGCAGCTTTCCCAAGTCTTCCTTGGTAGGATTATTTCGGAAATCTAGGCTGGGAT[C>T]CTCTGCAGCAATGGCTTTTCTTTTGGTTCCGTTGGCAGCAATAAGGATGTTGGCGTTGCC-3'
Protein context (NP_056258.1, residues 48-68): GTKRKAIAAE[Asp58Asn]PSLDFRNNPT

ClinVar aggregate classification (germline): Uncertain significance (1 of 4 stars; one submission).

Conditions:
Koolen-de Vries syndrome (KDVS). Identifiers: Orphanet 96169, MedGen C1864871, MONDO:0012496, OMIM 610443.

Allele frequency attached by ClinVar (database versions not stated): gnomAD exomes below 0.00001.
gnomAD v4.1: 4 of 1,614,252 alleles (0.00025%); highest among the groups gnomAD compares: Non-Finnish European, 0.00034%; no homozygotes.

Submission:

Labcorp Genetics (formerly Invitae), Labcorp
Classification: Uncertain significance for Koolen-de Vries syndrome. Last evaluated: 2021-08-19. Review status: criteria provided, single submitter. Criteria: Invitae Variant Classification Sherloc (09022015). Collection method: clinical testing. Allele origin: germline.
Comment: Due to the possible presence of a polymorphic segmental duplication, the location of the variant could not be unambiguously resolved. Variants with ambiguous mapping are still reported relative to the KANSL1 transcript. This sequence change replaces aspartic acid with asparagine at codon 58 of the KANSL1 protein (p.Asp58Asn). The aspartic acid residue is highly conserved and there is a small physicochemical difference between aspartic acid and asparagine. The frequency data for this variant in the population databases (ExAC) is considered unreliable due to the presence of homologous sequence, such as pseudogenes or paralogs, in the genome. This variant has not been reported in the literature in individuals with KANSL1-related conditions. Algorithms developed to predict the effect of missense changes on protein structure and function are either unavailable or do not agree on the potential impact of this missense change (SIFT: "Tolerated"; PolyPhen-2: "Probably Damaging"; Align-GVGD: "Class C0"). Until the location of this sequence change can be resolved, the clinical significance of this variant remains uncertain. It has been classified as a Variant of Uncertain Significance.